The following is an entry in ClinVar:

ClinVar aggregate classification (germline): Conflicting classifications of pathogenicity. Review status: criteria provided, conflicting classifications (1 of 4 stars). 24 submissions from 24 submitters: Uncertain significance (1); Benign (7); Likely benign (12). 4 of the submissions do not count toward it. Last evaluated 2026-09-01.

Conditions:
Hereditary nonpolyposis colorectal neoplasms. Identifiers: MedGen C0009405, MeSH D003123.
Breast and/or ovarian cancer. Identifiers: MedGen CN221562.
Hereditary cancer-predisposing syndrome. Also called: Neoplastic Syndromes, Hereditary; Tumor predisposition; Hereditary neoplastic syndrome; Hereditary Cancer Syndrome. Identifiers: Orphanet 140162, MedGen C0027672, MeSH D009386, MONDO:0015356.
Lynch syndrome. Identifiers: Orphanet 144, MedGen C4552100, MONDO:0005835. Disease mechanism: loss of function.
Lynch syndrome 4 (LYNCH4). Also called: Colorectal cancer, hereditary nonpolyposis, type 4; Hereditary non-polyposis colorectal cancer, type 4. Identifiers: Orphanet 144, MedGen C1838333, MONDO:0013699, OMIM 614337. Disease mechanism: loss of function.
Malignant tumor of breast. Also called: Malignant breast neoplasm; Cancer breast. Identifiers: MedGen C0006142, MONDO:0007254. Disease mechanism: loss of function.

Allele frequency attached by ClinVar (database versions not stated): 1000 Genomes Project 30x 0.00016; 1000 Genomes Project 0.00020; ESP Exome Variant Server 0.00023; ExAC 0.00032; gnomAD exomes 0.00034 and 0.00047; TOPMed 0.00035; gnomAD 0.00038 and 0.00039.
gnomAD v4.1: 733 of 1,614,100 alleles (0.045%); highest among the groups gnomAD compares: Admixed American, 0.063%; 2 homozygotes.

Submissions (24):

CeGaT Center for Human Genetics Tuebingen
Classification: Likely benign. Last evaluated: 2026-09-01. Review status: criteria provided, single submitter. Criteria: CeGaT Center For Human Genetics Tuebingen Variant Classification Criteria Version 2. Collection method: clinical testing. Allele origin: germline. Affected: yes. Observed: 6 variant alleles.
Comment: PMS2: BP4, BP7

Labcorp Genetics (formerly Invitae), Labcorp
Classification: Benign for Hereditary nonpolyposis colorectal neoplasms. Last evaluated: 2026-02-04. Review status: criteria provided, single submitter. Criteria: Invitae Variant Classification Sherloc (09022015). Collection method: clinical testing. Allele origin: germline.

Dasa
Classification: Likely benign. Last evaluated: 2025-09-28. Review status: criteria provided, single submitter. Criteria: DASA Assertion Criteria. Collection method: clinical testing. Allele origin: germline.
Comment: NM_000535.7(PMS2):c.1560G>A (p.Ala520=) is a synonymous variant predicted not to alter the encoded amino acid sequence. Population frequency is inconsistent with a disease-causing role for this variant, and the variant context is inconsistent with a known disease-causing mechanism. Computational prediction algorithms are consistent with a benign effect. Therefore, based on the currently available evidence, this variant is classified as likely benign.

Mayo Clinic Laboratories, Mayo Clinic
Classification: Benign. Last evaluated: 2025-06-04. Review status: criteria provided, single submitter. Criteria: ACMG Guidelines, 2015. Collection method: clinical testing. Allele origin: germline. Observed: 1 variant allele.
Comment: BS1, BP1, BP4, BP7

Center for Genomic Medicine, Rigshospitalet, Copenhagen University Hospital
Classification: Likely benign. Last evaluated: 2025-03-04. Review status: criteria provided, single submitter. Criteria: ACMG Guidelines, 2015. Collection method: clinical testing. Allele origin: germline.

Laboratory of Genetics, Children's Clinical University Hospital Latvia
Classification: Benign. Last evaluated: 2025-02-16. Review status: criteria provided, single submitter. Criteria: ACMG Guidelines, 2015. Collection method: clinical testing. Allele origin: germline. Affected: yes.

Myriad Genetics, Inc.
Classification: Benign for Lynch syndrome 4. Last evaluated: 2025-01-30. Review status: criteria provided, single submitter. Criteria: Myriad Autosomal Dominant, Autosomal Recessive and X-Linked Classification Criteria (2023). Collection method: clinical testing. Allele origin: unknown.
Comment: This variant is considered benign. This variant is a silent/synonymous amino acid change and it is not expected to impact splicing.

Blueprint Genetics
Classification: Likely benign. Last evaluated: 2024-10-22. Review status: criteria provided, single submitter. Criteria: ACMG Guidelines, 2015. Collection method: clinical testing. Allele origin: germline.

Hereditary Cancer Laboratory, Hospital Universitario 12 de Octubre
Classification: Likely benign for Hereditary cancer-predisposing syndrome. Last evaluated: 2024-07-01. Review status: criteria provided, single submitter. Criteria: ACMG Guidelines, 2015. Collection method: clinical testing. Allele origin: germline.
Comment: BS1,BP4,BP7

All of Us Research Program, National Institutes of Health
Classification: Likely benign for Lynch syndrome. Last evaluated: 2024-02-05. Review status: criteria provided, single submitter. Criteria: ACMG Guidelines, 2015. Collection method: clinical testing. Allele origin: germline. Inheritance: Autosomal dominant inheritance. Observed: 91 variant alleles, 90 heterozygotes, 1 homozygote.
Comment: This study involves interpretation of variants in research participants for the purpose of population health screening. Participant phenotype was not available at the time of variant classification. Additional details can be found in publication PMID: 35346344, PMCID: PMC8962531

ARUP Laboratories, Molecular Genetics and Genomics, ARUP Laboratories
Classification: Likely benign. Last evaluated: 2023-11-09. Review status: criteria provided, single submitter. Criteria: ARUP Molecular Germline Variant Investigation Process 2024. Collection method: clinical testing. Allele origin: germline.

CHEO Genetics Diagnostic Laboratory, Children's Hospital of Eastern Ontario
Classification: Likely benign for Breast and/or ovarian cancer. Last evaluated: 2023-06-22. Review status: criteria provided, single submitter. Criteria: ACMG Guidelines, 2015. Collection method: clinical testing. Allele origin: germline.

Quest Diagnostics Nichols Institute San Juan Capistrano
Classification: Benign. Last evaluated: 2023-05-12. Review status: criteria provided, single submitter. Criteria: Quest Diagnostics criteria. Collection method: clinical testing. Allele origin: unknown.

Sema4
Classification: Likely benign for Hereditary cancer-predisposing syndrome. Last evaluated: 2021-04-11. Review status: criteria provided, single submitter. Criteria: Sema4 Curation Guidelines. Collection method: curation. Allele origin: germline.

Genetic Services Laboratory, University of Chicago
Classification: Likely benign. Last evaluated: 2019-04-05. Review status: criteria provided, single submitter. Criteria: ACMG Guidelines, 2015. Collection method: clinical testing. Allele origin: germline. Affected: no.

Illumina Laboratory Services, Illumina
Classification: Uncertain significance for Lynch syndrome 4. Last evaluated: 2018-01-12. Review status: criteria provided, single submitter. Criteria: ICSL Variant Classification Criteria 13 December 2019. Collection method: clinical testing. Allele origin: germline.

Women's Health and Genetics/Laboratory Corporation of America, LabCorp
Classification: Benign. Last evaluated: 2017-06-26. Review status: criteria provided, single submitter. Criteria: LabCorp Variant Classification Summary - May 2015. Collection method: clinical testing. Allele origin: germline.
Comment: Variant summary: The c.1560G>A (p.Ala520=) in PMS2 gene is a synonymous change that involves a non-conserved nucleotide. 4/5 programs in Alamut predict that this variant does not affect the normal splicing, however no functional studies supporting this notion were published at the time of evaluation. The variant is present in the control population datasets of ExAC and gnomAD at a similar frequencies 0.00033 (38/120402 and 93/277018 chrs tested, respectively), which is about 3 times of the maximum expected allele frequency for a pathogenic PMS2 variant (0.00011). Sequence allignment and reads in ExAC support that the minor alleles reported in ExAC are not from the pseudogene. The variant has not, to our knowledge, been reported in affected individuals via published reports but is cited as Benign/Likely Benign by reputable databases/clinical laboratories. Taking together, the variant was classified as benign.

Color Diagnostics, LLC DBA Color Health
Classification: Likely benign for Hereditary cancer-predisposing syndrome. Last evaluated: 2015-06-15. Review status: criteria provided, single submitter. Criteria: ACMG Guidelines, 2015. Collection method: clinical testing. Allele origin: germline.

Ambry Genetics
Classification: Likely benign for Hereditary cancer-predisposing syndrome. Last evaluated: 2014-05-23. Review status: criteria provided, single submitter. Criteria: Ambry Variant Classification Scheme 2023. Collection method: clinical testing. Allele origin: germline.

GeneDx
Classification: Benign. Last evaluated: 2014-01-22. Review status: criteria provided, single submitter. Criteria: GeneDx Variant Classification (06012015). Collection method: clinical testing. Allele origin: germline. Affected: yes.
Comment: This variant is considered likely benign or benign based on one or more of the following criteria: it is a conservative change, it occurs at a poorly conserved position in the protein, it is predicted to be benign by multiple in silico algorithms, and/or has population frequency not consistent with disease.

True Health Diagnostics
Classification: Likely benign for Hereditary cancer-predisposing syndrome. Last evaluated: 2017-09-27. Review status: no assertion criteria provided. Collection method: clinical testing. Allele origin: germline. Not counted in ClinVar's aggregate classification.

Clinical Genetics DNA and cytogenetics Diagnostics Lab, Erasmus MC, Erasmus Medical Center
Classification: Likely benign. Review status: no assertion criteria provided. Collection method: clinical testing. Allele origin: germline. Affected: yes. Study: VKGL Data-share Consensus. Not counted in ClinVar's aggregate classification.

Department of Pathology and Laboratory Medicine, Sinai Health System
Classification: Likely benign for Malignant tumor of breast. Review status: no assertion criteria provided. Collection method: clinical testing. Allele origin: unknown. Affected: yes. Study: The Canadian Open Genetics Repository (COGR). Not counted in ClinVar's aggregate classification.
Comment: The PMS2 p.Ala520= variant was not identified in the literature nor was it identified in the following databases: COGR, Cosmic, MutDB, Insight Colon Cancer Gene Variant Database, Zhejiang Colon Cancer Database, Mismatch Repair Genes Variant Database, or Insight Hereditary Tumors Database. The variant was identified in dbSNP (ID: rs201167814) â€šÃ„ÃºWith Uncertain significance alleleâ€šÃ„Ã¹, ClinVar (classified benign by GeneDx, likely benign by Ambry Genetics, Invitae, Color Genomics Inc, Quest Diagnostics Nichols Institute San Juan Capistrano, and uncertain significance by Praxis fuer Humangenetik Tuebingen), Clinvitae (4x), and in control databases in 93 of 277018 chromosomes at a frequency of 0.0003 (Genome Aggregation Database Feb 27, 2017). It was observed in the following populations: African in 1 of 23986 chromosomes (freq: 0.00004), â€šÃ„ÃºOtherâ€šÃ„Ã¹ in 2 of 6464 chromosomes (freq: 0.0003), Latino in 16 of 34418 chromosomes (freq: 0.0005), European Non-Finnish in 66 of 126586 chromosomes (freq: 0.0005), East Asian in 4 of 18864 chromosomes (freq: 0.0002), European Finnish in 2 of 25782 chromosomes (freq: 0.00008), and South Asian in 2 of 30782 chromosomes (freq: 0.00007); it was not observed in the Ashkenazi Jewish population. The p.Ala520= variant is not expected to have clinical significance because it does not result in a change of amino acid. This variant occurs outside of the splicing consensus sequence and in silico or computational prediction software programs (SpliceSiteFinder, MaxEntScan, NNSPLICE, GeneSplicer, HumanSpliceFinder) do not predict a difference in splicing. In summary, based on the above information the clinical significance of this variant cannot be determined with certainty at this time although we would lean towards a more benign role for this variant. This variant is classified as likely benign.

Joint Genome Diagnostic Labs from Nijmegen and Maastricht, Radboudumc and MUMC+
Classification: Likely benign. Review status: no assertion criteria provided. Collection method: clinical testing. Allele origin: germline. Affected: yes. Study: VKGL Data-share Consensus. Not counted in ClinVar's aggregate classification.

Literature cited by the submitters: PubMed 35449176 (cited by Quest Diagnostics Nichols Institute San Juan Capistrano).

NM_000535.7(PMS2):c.1560G>A (p.Ala520=)

Gene: PMS2 (PMS1 homolog 2, mismatch repair system component; minus strand). Cytogenetic location: 7p22.1.
Variant type: single nucleotide variant.
Coding change: c.1560G>A on transcript NM_000535.7 (MANE Select); coding-DNA position 1560, G replaced by A.
Protein change: p.Ala520=; no amino-acid change (alanine 520 retained).
Molecular consequence: synonymous variant. On other transcripts: non-coding transcript variant (1).
Genome position (GRCh38, 1-based): chr7:5,987,205, C>T on the plus strand (G>A on the coding strand, the complement: PMS2 is on the minus strand). VCF-style: chr7-5987205-C-T. GRCh37 (hg19) VCF-style: chr7-6026836-C-T.
Other names: p.A520A:GCG>GCA; p.Ala520=; c.1155G>A, p.Ala385= (NM_001322003.2, NM_001322004.2, NM_001322005.2 and 1 more transcripts); c.1404G>A, p.Ala468= (NM_001322006.2); c.1242G>A, p.Ala414= (NM_001322007.2, NM_001322008.2); c.999G>A, p.Ala333= (NM_001322010.2); c.627G>A, p.Ala209= (NM_001322011.2, NM_001322012.2); c.987G>A, p.Ala329= (NM_001322013.2); and 2 more.
Identifiers: ClinVar variation 138700 (VCV000138700.82), dbSNP rs201167814, ClinGen allele CA009868.
Genomic context (GRCh38, chr7:5,987,205, plus strand): 5'-AGGCGCTTTCTCCTGAGAGTCCACATGTTCCTGCGAGCCCCTGTCCCCTGGGGAGCTGGC[C>T]GCATACTCGCTGCTGCAGTGACTGCCCGTGTCTGGGATGCTGAACCCCTCAGAATCCACG-3'
Protein context (NP_000526.2, residues 510-530): DTGSHCSSEY[Ala520=]ASSPGDRGSQ